The following is an entry in ClinVar:

ClinVar aggregate classification (germline): Likely pathogenic (1 of 4 stars; one submission).

Conditions:
Primary ciliary dyskinesia 3. Identifiers: Orphanet 244, MedGen C1837618, MONDO:0012085, OMIM 608644.

Submission:

Myriad Genetics, Inc.
Classification: Likely pathogenic for Primary ciliary dyskinesia 3. Last evaluated: 2021-12-16. Review status: criteria provided, single submitter. Criteria: Myriad Women's Health Autosomal Recessive and X-Linked Classification Criteria (2021). Collection method: clinical testing. Allele origin: unknown.
Comment: NM_001369.2(DNAH5):c.9620T>A(L3207*) is expected to be pathogenic in the context of DNAH5-related primary ciliary dyskinesia. This variant is predicted to lead to an abnormal or absent protein product due to the creation of a premature termination codon in DNAH5, a gene where loss-of-function variants are known to be pathogenic. Please note: this variant was assessed in the context of healthy population screening.

NM_001369.3(DNAH5):c.9620T>A (p.Leu3207Ter)

Gene: DNAH5 (dynein axonemal heavy chain 5; minus strand). Cytogenetic location: 5p15.2.
Variant type: single nucleotide variant.
Coding change: c.9620T>A on transcript NM_001369.3 (MANE Select); coding-DNA position 9620, T replaced by A.
Protein change: p.Leu3207Ter; replaces leucine 3207 with a stop codon.
Molecular consequence: nonsense.
Genome position (GRCh38, 1-based): chr5:13,769,601, A>T on the plus strand (T>A on the coding strand, the complement: DNAH5 is on the minus strand). VCF-style: chr5-13769601-A-T. GRCh37 (hg19) VCF-style: chr5-13769710-A-T.
Other names: short protein forms L3207*.
Identifiers: ClinVar variation 1726306 (VCV001726306.2), dbSNP rs2546659032, ClinGen allele CA359203307.
Genomic context (GRCh38, chr5:13,769,601, plus strand): 5'-TTCGCTTCCAGTTCTTTACTCAAGGCTGCAACAGACTCTGAAGCTTCTTTGAGCTTTTCC[A>T]ATCCAGTATTCATTCTGGGATTGAAAATCCAAGCAAGCAATGTTAAAATGTGTAGGACTT-3'